The following is an entry in ClinVar:

NM_020738.4(KIDINS220):c.3842G>A (p.Ser1281Asn)

Gene: KIDINS220 (kinase D interacting substrate 220; minus strand). Cytogenetic location: 2p25.1.
Variant type: single nucleotide variant.
Coding change: c.3842G>A on transcript NM_020738.4 (MANE Select); coding-DNA position 3842, G replaced by A.
Protein change: p.Ser1281Asn; replaces serine 1281 with asparagine.
Molecular consequence: missense variant. On other transcripts: non-coding transcript variant (2).
Genome position (GRCh38, 1-based): chr2:8,733,655, C>T on the plus strand (G>A on the coding strand, the complement: KIDINS220 is on the minus strand). VCF-style: chr2-8733655-C-T. GRCh37 (hg19) VCF-style: chr2-8873785-C-T.
Other names: c.3845G>A, p.Ser1282Asn (NM_001348729.2); c.3788G>A, p.Ser1263Asn (NM_001348731.2); c.3785G>A, p.Ser1262Asn (NM_001348732.2, NM_001348738.2); c.3674G>A, p.Ser1225Asn (NM_001348734.2, NM_001348739.2, NM_001348740.2); c.3671G>A, p.Ser1224Asn (NM_001348735.2, NM_001348741.2, NM_001348742.2 and 1 more transcripts); c.3545G>A, p.Ser1182Asn (NM_001348736.2); short protein forms S1182N, S1224N, S1225N, S1262N, S1263N, S1281N, S1282N.
Identifiers: ClinVar variation 2633184 (VCV002633184.1), dbSNP rs1445355863, ClinGen allele CA345767658.

ClinVar aggregate classification (germline): Uncertain significance (1 of 4 stars; one submission).

Conditions:
KIDINS220-related disorder. Also called: KIDINS220-related condition.

gnomAD v4.1: 2 of 1,584,150 alleles (0.00013%); highest among the groups gnomAD compares: Admixed American, 0.0036%; no homozygotes.

Submission:

PreventionGenetics, part of Exact Sciences
Classification: Uncertain significance for KIDINS220-related condition. Last evaluated: 2023-05-16. Review status: criteria provided, single submitter. Criteria: ACMG Guidelines, 2015. Collection method: clinical testing. Allele origin: germline.
Comment: The KIDINS220 c.3842G>A variant is predicted to result in the amino acid substitution p.Ser1281Asn. To our knowledge, this variant has not been reported in the literature or in a large population database, indicating this variant is rare. At this time, the clinical significance of this variant is uncertain due to the absence of conclusive functional and genetic evidence.